The following is an entry in ClinVar:

NM_025144.4(ALPK1):c.3032A>G (p.His1011Arg)

Gene: ALPK1 (alpha kinase 1; plus strand). Cytogenetic location: 4q25.
Variant type: single nucleotide variant.
Coding change: c.3032A>G on transcript NM_025144.4 (MANE Select); coding-DNA position 3032, A replaced by G.
Protein change: p.His1011Arg; replaces histidine 1011 with arginine.
Molecular consequence: missense variant.
Genome position (GRCh38, 1-based): chr4:112,432,579, A>G. VCF-style: chr4-112432579-A-G. GRCh37 (hg19) VCF-style: chr4-113353735-A-G.
Other names: c.3032A>G, p.His1011Arg (NM_001102406.2); c.2798A>G, p.His933Arg (NM_001253884.2); short protein forms H1011R, H933R.
Identifiers: ClinVar variation 2048407 (VCV002048407.4), dbSNP rs371199667, ClinGen allele CA3047048.
Genomic context (GRCh38, chr4:112,432,579, plus strand): 5'-GGCTGTTTCAGAGACTAGAGAATACGGGGGTTTTTAAGCCCAGTCAACTCCACCGAGCAC[A>G]TAGTAAGTACAATCTTTTCAATAGTTCCCCCCTCAGGAAGCAGCTGTGTTGGGGCACTCT-3'
Protein context (NP_079420.3, residues 1001-1021): VFKPSQLHRA[His1011Arg]SALLLKYSKK

ClinVar aggregate classification (germline): Uncertain significance (1 of 4 stars; one submission).

Allele frequency attached by ClinVar (database versions not stated): gnomAD exomes 0.00001; TOPMed 0.00005; gnomAD 0.00005; ESP Exome Variant Server 0.00008; ExAC 0.00005.
gnomAD v4.1: 23 of 1,610,190 alleles (0.0014%); highest among the groups gnomAD compares: African/African-American, 0.024%; no homozygotes.

Submission:

Labcorp Genetics (formerly Invitae), Labcorp
Classification: Uncertain significance. Last evaluated: 2022-09-24. Review status: criteria provided, single submitter. Criteria: Invitae Variant Classification Sherloc (09022015). Collection method: clinical testing. Allele origin: germline.
Comment: This sequence change replaces histidine, which is basic and polar, with arginine, which is basic and polar, at codon 1011 of the ALPK1 protein (p.His1011Arg). This variant is present in population databases (rs371199667, gnomAD 0.02%). This variant has not been reported in the literature in individuals affected with ALPK1-related conditions. Algorithms developed to predict the effect of missense changes on protein structure and function are either unavailable or do not agree on the potential impact of this missense change (SIFT: "Deleterious"; PolyPhen-2: "Benign"; Align-GVGD: "Class C0"). In summary, the available evidence is currently insufficient to determine the role of this variant in disease. Therefore, it has been classified as a Variant of Uncertain Significance.